The following is an entry in ClinVar:

NM_001379500.1(COL18A1):c.107-11596G>A

Gene: COL18A1 (collagen type XVIII alpha 1 chain; plus strand). Cytogenetic location: 21q22.3.
Variant type: single nucleotide variant.
Coding change: c.107-11596G>A on transcript NM_001379500.1 (MANE Select); 11596 bases into the intron before coding-DNA position 107, G replaced by A.
Molecular consequence: intron variant. On other transcripts: synonymous variant (1).
Genome position (GRCh38, 1-based): chr21:45,456,646, G>A. VCF-style: chr21-45456646-G-A. GRCh37 (hg19) VCF-style: chr21-46876560-G-A.
Other names: c.1116G>A, p.Ala372= (NM_130444.3); c.646+470G>A (NM_030582.4).
Identifiers: ClinVar variation 3037842 (VCV003037842.7), dbSNP rs778431938, ClinGen allele CA10065626.
Genomic context (GRCh38, chr21:45,456,646, plus strand): 5'-CTGGCTGCCCAACCACCTCCACCACGAGAGCGGCGAGCAGGTGCGGGCCGGGGCACGGGC[G>A]TGGGGGGGCCTGCTGCAGACGCACTGCCACCCCTTCCTCGCCTGGTTCTTCTGCCTGCTG-3'

ClinVar aggregate classification (germline): Likely benign. Review status: criteria provided, multiple submitters, no conflicts (2 of 4 stars). 3 submissions from 3 submitters: Likely benign (2). 1 of the submissions does not count toward it. Last evaluated 2026-02-01.

Conditions:
COL18A1-related disorder. Also called: COL18A1-related disorders; COL18A1-related condition.

gnomAD v4.1: 1,313 of 1,536,216 alleles (0.085%); highest among the groups gnomAD compares: Middle Eastern, 0.22%; no homozygotes.

Submissions (3):

CeGaT Center for Human Genetics Tuebingen
Classification: Likely benign. Last evaluated: 2026-02-01. Review status: criteria provided, single submitter. Criteria: CeGaT Center For Human Genetics Tuebingen Variant Classification Criteria Version 2. Collection method: clinical testing. Allele origin: germline. Affected: yes. Observed: 2 variant alleles.
Comment: COL18A1: BP4, BP7

Blueprint Genetics
Classification: Likely benign. Last evaluated: 2024-10-28. Review status: criteria provided, single submitter. Criteria: ACMG Guidelines, 2015. Collection method: clinical testing. Allele origin: germline.

PreventionGenetics, part of Exact Sciences
Classification: Likely benign for COL18A1-related condition. Last evaluated: 2021-06-18. Review status: no assertion criteria provided. Collection method: clinical testing. Allele origin: germline. Not counted in ClinVar's aggregate classification.
Comment: This variant is classified as likely benign based on ACMG/AMP sequence variant interpretation guidelines (Richards et al. 2015 PMID: 25741868, with internal and published modifications).